The following is an entry in ClinVar:

NM_138927.4(SON):c.3220A>G (p.Met1074Val)

Gene: SON (SON DNA and RNA binding protein; plus strand). Cytogenetic location: 21q22.11.
Variant type: single nucleotide variant.
Coding change: c.3220A>G on transcript NM_138927.4 (MANE Select); coding-DNA position 3220, A replaced by G.
Protein change: p.Met1074Val; replaces methionine 1074 with valine.
Molecular consequence: missense variant. On other transcripts: non-coding transcript variant (1), intron variant (1).
Genome position (GRCh38, 1-based): chr21:33,552,451, A>G. VCF-style: chr21-33552451-A-G. GRCh37 (hg19) VCF-style: chr21-34924757-A-G.
Other names: c.3220A>G, p.Met1074Val (NM_001291411.2, NM_032195.3); c.245-4705A>G (NM_001291412.3); short protein forms M1074V.
Identifiers: ClinVar variation 1366337 (VCV001366337.6), dbSNP rs201381142, ClinGen allele CA10009236.

ClinVar aggregate classification (germline): Uncertain significance (1 of 4 stars; one submission).

Allele frequency attached by ClinVar (database versions not stated): ExAC 0.00001; gnomAD exomes 0.00001; gnomAD 0.00002 and 0.00003; TOPMed 0.00006; 1000 Genomes Project 0.00020.

Submission:

Labcorp Genetics (formerly Invitae), Labcorp
Classification: Uncertain significance. Last evaluated: 2024-02-17. Review status: criteria provided, single submitter. Criteria: Invitae Variant Classification Sherloc (09022015). Collection method: clinical testing. Allele origin: germline.
Comment: This sequence change replaces methionine, which is neutral and non-polar, with valine, which is neutral and non-polar, at codon 1074 of the SON protein (p.Met1074Val). This variant is present in population databases (rs201381142, gnomAD 0.006%). This variant has not been reported in the literature in individuals affected with SON-related conditions. ClinVar contains an entry for this variant (Variation ID: 1366337). An algorithm developed to predict the effect of missense changes on protein structure and function (PolyPhen-2) suggests that this variant is likely to be disruptive. In summary, the available evidence is currently insufficient to determine the role of this variant in disease. Therefore, it has been classified as a Variant of Uncertain Significance.